The following is an entry in ClinVar:

ClinVar aggregate classification (germline): Uncertain significance. Review status: criteria provided, multiple submitters, no conflicts (2 of 4 stars). 3 submissions from 3 submitters: Uncertain significance (3). Last evaluated 2025-02-06.

Conditions:
TECTA-related disorder. Also called: TECTA-related condition.
Inborn genetic diseases. Identifiers: MedGen C0950123, MeSH D030342.

Allele frequency attached by ClinVar (database versions not stated): TOPMed 0.00004; 1000 Genomes Project 30x 0.00031; 1000 Genomes Project 0.00040.
gnomAD v4.1: 31 of 1,614,164 alleles (0.0019%); highest among the groups gnomAD compares: Middle Eastern, 0.016%; no homozygotes.

Submissions (3):

PreventionGenetics, part of Exact Sciences
Classification: Uncertain significance for TECTA-related condition. Last evaluated: 2025-02-06. Review status: criteria provided, single submitter. Criteria: ACMG Guidelines, 2015. Collection method: clinical testing. Allele origin: germline.
Comment: The TECTA c.2566G>T variant is predicted to result in the amino acid substitution p.Ala856Ser. To our knowledge, this variant has not been reported in the literature. This variant is reported in 0.020% of alleles in individuals of African descent in gnomAD. At this time, the clinical significance of this variant is uncertain due to the absence of conclusive functional and genetic evidence.

Ambry Genetics
Classification: Uncertain significance for Inborn genetic diseases. Last evaluated: 2024-09-25. Review status: criteria provided, single submitter. Criteria: Ambry Variant Classification Scheme 2023. Collection method: clinical testing. Allele origin: germline.

Eurofins Ntd Llc (ga)
Classification: Uncertain significance. Last evaluated: 2014-12-19. Review status: criteria provided, single submitter. Criteria: EGL Classification Definitions 2015. Collection method: clinical testing. Allele origin: germline. Observed: 1 variant allele, 1 heterozygote.

NM_005422.4(TECTA):c.2566G>T (p.Ala856Ser)

Genes: TBCEL-TECTA (TBCEL-TECTA readthrough; plus strand), TECTA (tectorin alpha; plus strand), LOC126861365 (P300/CBP strongly-dependent group 1 enhancer GRCh37_chr11:121000154-121001353; plus strand). Cytogenetic location: 11q23.3.
Variant type: single nucleotide variant.
Coding change: c.2566G>T on transcript NM_005422.4 (MANE Select); coding-DNA position 2566, G replaced by T.
Protein change: p.Ala856Ser; replaces alanine 856 with serine.
Molecular consequence: missense variant.
Genome position (GRCh38, 1-based): chr11:121,129,836, G>T. VCF-style: chr11-121129836-G-T. GRCh37 (hg19) VCF-style: chr11-121000545-G-T.
Other names: c.3523G>T, p.Ala1175Ser (NM_001378761.1); short protein forms A856S, A1175S.
Identifiers: ClinVar variation 199106 (VCV000199106.11), dbSNP rs145413004, ClinGen allele CA248122.